The following is an entry in ClinVar:

NM_006907.4(PYCR1):c.769G>A (p.Ala257Thr)

Gene: PYCR1 (pyrroline-5-carboxylate reductase 1; minus strand). Cytogenetic location: 17q25.3.
Variant type: single nucleotide variant.
Coding change: c.769G>A on transcript NM_006907.4 (MANE Select); coding-DNA position 769, G replaced by A.
Protein change: p.Ala257Thr; replaces alanine 257 with threonine.
Molecular consequence: missense variant. On other transcripts: intron variant (1).
Genome position (GRCh38, 1-based): chr17:81,934,354, C>T on the plus strand (G>A on the coding strand, the complement: PYCR1 is on the minus strand). VCF-style: chr17-81934354-C-T. GRCh37 (hg19) VCF-style: chr17-79892230-C-T.
Other names: c.676G>A, p.Ala226Thr (NM_001282279.2); c.769G>A, p.Ala257Thr (NM_001282280.2, NM_153824.3); c.850G>A, p.Ala284Thr (NM_001282281.2); c.633+299G>A (NM_001330523.2); short protein forms A257T, A284T, A226T.
Identifiers: ClinVar variation 29863 (VCV000029863.13), dbSNP rs281875318, ClinGen allele CA128699.
Genomic context (GRCh38, chr17:81,934,354, plus strand): 5'-AGACCAGGGAAGCGGGCAGCGCGGGGGCCCACCGTGTGCGGATGCAGGAGGCCTCCACAG[C>T]GTTGATGAGCAGGGAGCGGAAGCCCCCACTCTCCAGCACATGCAAGGCATGGATGGTGGC-3'
Protein context (NP_008838.2, residues 247-267): SGGFRSLLIN[Ala257Thr]VEASCIRTRE

ClinVar aggregate classification (germline): Conflicting classifications of pathogenicity. Review status: criteria provided, conflicting classifications (1 of 4 stars). 7 submissions from 7 submitters: Pathogenic (2); Uncertain significance (2). 3 of the submissions do not count toward it. Last evaluated 2026-01-26.

Conditions:
Wiedemann-Rautenstrauch-like progeroid syndrome.
Inborn genetic diseases. Identifiers: MedGen C0950123, MeSH D030342.
Cutis laxa. Identifiers: Orphanet 209, MedGen C0010495, MONDO:0016175, HP:0000973.
PYCR1-related de Barsy syndrome. Also called: CUTIS LAXA, AUTOSOMAL RECESSIVE, TYPE IIIB; DE BARSY SYNDROME B. Identifiers: Orphanet 293633, Orphanet 2962, MedGen C3280799, MONDO:0013755, OMIM 614438.

Allele frequency attached by ClinVar (database versions not stated): gnomAD exomes 0.00002 and 0.00004; TOPMed 0.00004; ExAC 0.00005; gnomAD 0.00006 and 0.00007; ESP Exome Variant Server 0.00008.

Submissions (7):

Labcorp Genetics (formerly Invitae), Labcorp
Classification: Uncertain significance. Last evaluated: 2026-01-26. Review status: criteria provided, single submitter. Criteria: Invitae Variant Classification Sherloc (09022015). Collection method: clinical testing. Allele origin: germline.
Comment: This sequence change replaces alanine, which is neutral and non-polar, with threonine, which is neutral and polar, at codon 257 of the PYCR1 protein (p.Ala257Thr). This variant is present in population databases (rs281875318, gnomAD 0.01%). This missense change has been observed in individuals with cutis laxa (PMID: 19648921, 30450527). ClinVar contains an entry for this variant (Variation ID: 29863). Invitae Evidence Modeling of protein sequence and biophysical properties (such as structural, functional, and spatial information, amino acid conservation, physicochemical variation, residue mobility, and thermodynamic stability) indicates that this missense variant is not expected to disrupt PYCR1 protein function with a negative predictive value of 80%. In summary, the available evidence is currently insufficient to determine the role of this variant in disease. Therefore, it has been classified as a Variant of Uncertain Significance.

Women's Health and Genetics/Laboratory Corporation of America, LabCorp
Classification: Pathogenic for Cutis laxa. Last evaluated: 2025-02-10. Review status: criteria provided, single submitter. Criteria: LabCorp Variant Classification Summary - May 2015. Collection method: clinical testing. Allele origin: germline.
Comment: Variant summary: PYCR1 c.769G>A (p.Ala257Thr) results in a non-conservative amino acid change located in the Pyrroline-5-carboxylate reductase dimerisation domain (IPR029036) of the encoded protein sequence. Five of five in-silico tools predict a damaging effect of the variant on protein function. The variant allele was found at a frequency of 2.4e-05 in 248344 control chromosomes. c.769G>A has been reported in the literature in multiple homozygous individuals affected with Cutis Laxa - PYCR1 Related (e.g., Reversade_2009, Lessel_2018). These data indicate that the variant is very likely to be associated with disease. To our knowledge, no experimental evidence demonstrating an impact on protein function has been reported. The following publications have been ascertained in the context of this evaluation (PMID: 30450527, 19648921). ClinVar contains an entry for this variant (Variation ID: 29863). Based on the evidence outlined above, the variant was classified as pathogenic.

Revvity Omics, Revvity
Classification: Uncertain significance. Last evaluated: 2025-01-29. Review status: criteria provided, single submitter. Criteria: ACMG Guidelines, 2015. Collection method: clinical testing. Allele origin: germline.

Ambry Genetics
Classification: Pathogenic for Inborn genetic diseases. Last evaluated: 2018-01-03. Review status: criteria provided, single submitter. Criteria: Ambry exome assertion method (8-5-2015). Collection method: clinical testing. Allele origin: germline. Affected: yes. Observed: 1 variant allele.

OMIM
Classification: Pathogenic for CUTIS LAXA, AUTOSOMAL RECESSIVE, TYPE IIIB. Last evaluated: 2009-09-01. Review status: no assertion criteria provided. Collection method: literature only. Allele origin: germline. Not counted in ClinVar's aggregate classification.

UniProtKB/Swiss-Prot
No classification provided. Review status: no classification provided. Collection method: not provided. Allele origin: not provided. Not counted in ClinVar's aggregate classification.

University of Washington Center for Mendelian Genomics, University of Washington
Classification: Likely pathogenic for Wiedemann-Rautenstrauch-like progeroid syndrome. Review status: no assertion criteria provided. Collection method: research. Allele origin: inherited. Affected: yes. Not counted in ClinVar's aggregate classification.

Literature cited by the submitters: PubMed 19648921 (cited by 4 submitters); PubMed 30450527 (cited by 3 submitters); PubMed 16233902 (cited by Ambry Genetics); PubMed 4076251 (cited by OMIM).